The following is an entry in ClinVar:

NM_031844.3(HNRNPU):c.1544C>T (p.Thr515Ile)

Gene: HNRNPU (heterogeneous nuclear ribonucleoprotein U; minus strand). Cytogenetic location: 1q44.
Variant type: single nucleotide variant.
Coding change: c.1544C>T on transcript NM_031844.3 (MANE Select); coding-DNA position 1544, C replaced by T.
Protein change: p.Thr515Ile; replaces threonine 515 with isoleucine.
Molecular consequence: missense variant.
Genome position (GRCh38, 1-based): chr1:244,857,668, G>A on the plus strand (C>T on the coding strand, the complement: HNRNPU is on the minus strand). VCF-style: chr1-244857668-G-A. GRCh37 (hg19) VCF-style: chr1-245020970-G-A.
Other names: c.1487C>T, p.Thr496Ile (NM_004501.3); short protein forms T496I, T515I.
Identifiers: ClinVar variation 1312856 (VCV001312856.3), dbSNP rs1411908199, ClinGen allele CA345490878.
Genomic context (GRCh38, chr1:244,857,668, plus strand): 5'-TCCATAATAGTATTTGTGCCAAGAATGTTATATTTCCCTGGATTTTCTGCTGCATGTTTA[G>A]TAACCCAGGTAGTTTTTCCAGCTCCTGGCAAGCCAATCATCATCACAACCTAGTGAAAAG-3'
Protein context (NP_114032.2, residues 505-525): LPGAGKTTWV[Thr515Ile]KHAAENPGKY

ClinVar aggregate classification (germline): Uncertain significance (1 of 4 stars; one submission).

Submission:

GeneDx
Classification: Uncertain significance. Last evaluated: 2025-05-11. Review status: criteria provided, single submitter. Criteria: GeneDx Variant Classification Process June 2021. Collection method: clinical testing. Allele origin: germline. Affected: yes.
Comment: Not observed at significant frequency in large population cohorts (gnomAD); In silico analysis suggests that this missense variant does not alter protein structure/function; Has not been previously published as pathogenic or benign to our knowledge